The following is an entry in ClinVar:

ClinVar aggregate classification (germline): Uncertain significance. Review status: criteria provided, multiple submitters, no conflicts (2 of 4 stars). 2 submissions from 2 submitters: Uncertain significance (2). Last evaluated 2023-10-10.

Conditions:
Cardiovascular phenotype. Identifiers: MedGen CN230736.

Allele frequency attached by ClinVar (database versions not stated): TOPMed below 0.00001; ExAC 0.00002.
gnomAD v4.1: 4 of 1,613,442 alleles (0.00025%); highest among the groups gnomAD compares: Non-Finnish European, 0.00034%; no homozygotes.

Submissions (2):

Ambry Genetics
Classification: Uncertain significance for Cardiovascular phenotype. Last evaluated: 2023-10-10. Review status: criteria provided, single submitter. Criteria: Ambry Variant Classification Scheme 2023. Collection method: clinical testing. Allele origin: germline.
Comment: The p.V548G variant (also known as c.1643T>G), located in coding exon 11 of the GAA gene, results from a T to G substitution at nucleotide position 1643. The valine at codon 548 is replaced by glycine, an amino acid with dissimilar properties. This amino acid position is conserved. In addition, the in silico prediction for this alteration is inconclusive. Since supporting evidence is limited at this time, the clinical significance of this alteration remains unclear.

Revvity Omics, Revvity
Classification: Uncertain significance. Last evaluated: 2022-10-24. Review status: criteria provided, single submitter. Criteria: ACMG Guidelines, 2015. Collection method: clinical testing. Allele origin: germline.

NM_000152.5(GAA):c.1643T>G (p.Val548Gly)

Gene: GAA (alpha glucosidase; plus strand). Cytogenetic location: 17q25.3.
Variant type: single nucleotide variant.
Coding change: c.1643T>G on transcript NM_000152.5 (MANE Select); coding-DNA position 1643, T replaced by G.
Protein change: p.Val548Gly; replaces valine 548 with glycine.
Molecular consequence: missense variant.
Genome position (GRCh38, 1-based): chr17:80,111,989, T>G. VCF-style: chr17-80111989-T-G. GRCh37 (hg19) VCF-style: chr17-78085788-T-G.
Other names: c.1643T>G, p.Val548Gly (NM_001079803.3, NM_001079804.3, NM_001406741.1 and 1 more transcripts); short protein forms V548G.
Identifiers: ClinVar variation 2431982 (VCV002431982.4), dbSNP rs754686630, ClinGen allele CA8815424.